The following is an entry in ClinVar:

ClinVar aggregate classification (germline): Conflicting classifications of pathogenicity. Review status: criteria provided, conflicting classifications (1 of 4 stars). 7 submissions from 7 submitters: Uncertain significance (6); Likely benign (1). Last evaluated 2026-01-21.

Conditions:
TTN-related disorder. Also called: TTN-related disorders; TTN-related condition; TTN-related disease.
Autosomal recessive limb-girdle muscular dystrophy type 2J (LGMDR10). Also called: Limb-girdle muscular dystrophy, type 2J; MUSCULAR DYSTROPHY, LIMB-GIRDLE, AUTOSOMAL RECESSIVE 10. Identifiers: Orphanet 140922, MedGen C1837342, MONDO:0012127, OMIM 608807.
Dilated cardiomyopathy 1G (CMD1G). Identifiers: Orphanet 154, MedGen C1858763, MONDO:0011400, OMIM 604145.
Hypertrophic cardiomyopathy 9. Also called: Familial hypertrophic cardiomyopathy 9. Identifiers: MedGen C1861065, MONDO:0013412, OMIM 613765.
Cardiomyopathy (CMYO). Also called: Cardiomyopathies. Identifiers: Orphanet 167848, MedGen C0878544, MONDO:0004994, HP:0001638. Inheritance: Various modes of inheritance.

Allele frequency attached by ClinVar (database versions not stated): TOPMed 0.00006.
gnomAD v4.1: 95 of 1,613,628 alleles (0.0059%); highest among the groups gnomAD compares: South Asian, 0.034%; 1 homozygote.

Submissions (7):

PreventionGenetics, part of Exact Sciences
Classification: Uncertain significance for TTN-related condition. Last evaluated: 2026-01-21. Review status: criteria provided, single submitter. Criteria: ACMG Guidelines, 2015. Collection method: clinical testing. Allele origin: germline.
Comment: The TTN c.96235G>C variant is predicted to result in the amino acid substitution p.Asp32079His. This variant has been reported in a cohort study of individuals with dilated cardiomyopathy who underwent heart transplantation (described as NM_001256850 c.91312G>C, p.Asp30438His; Table S3, Lian et al. 2023. PubMed ID: 37461109). This variant is reported in 0.033% of alleles in individuals of South Asian descent in gnomAD. At this time, the clinical significance of this variant is uncertain due to the absence of conclusive functional and genetic evidence.

Blueprint Genetics
Classification: Likely benign. Last evaluated: 2024-06-21. Review status: criteria provided, single submitter. Criteria: ACMG Guidelines, 2015. Collection method: clinical testing. Allele origin: germline.

Revvity Omics, Revvity
Classification: Uncertain significance. Last evaluated: 2024-05-28. Review status: criteria provided, single submitter. Criteria: ACMG Guidelines, 2015. Collection method: clinical testing. Allele origin: germline.

New York Genome Center
Classification: Uncertain significance for Hypertrophic cardiomyopathy 9; Dilated cardiomyopathy 1G. Last evaluated: 2023-07-25. Review status: criteria provided, single submitter. Criteria: NYGC Assertion Criteria 2020. Collection method: clinical testing. Allele origin: germline. Observed: 1 variant allele.

Eurofins Ntd Llc (ga)
Classification: Uncertain significance. Last evaluated: 2017-09-22. Review status: criteria provided, single submitter. Criteria: EGL Classification Definitions 2015. Collection method: clinical testing. Allele origin: germline. Observed: 2 variant alleles, 2 heterozygotes.

Labcorp Genetics (formerly Invitae), Labcorp
Classification: Uncertain significance for Dilated cardiomyopathy 1G; Autosomal recessive limb-girdle muscular dystrophy type 2J. Last evaluated: 2016-12-15. Review status: criteria provided, single submitter. Criteria: Invitae Variant Classification Sherloc (09022015). Collection method: clinical testing. Allele origin: germline.

CHEO Genetics Diagnostic Laboratory, Children's Hospital of Eastern Ontario
Classification: Uncertain significance for Cardiomyopathy. Last evaluated: 2016-02-26. Review status: criteria provided, single submitter. Criteria: ACMG Guidelines, 2015. Collection method: clinical testing. Allele origin: germline. Study: Canadian Open Genetics Repository.

NM_001267550.2(TTN):c.96235G>C (p.Asp32079His)

Genes: TTN (titin; minus strand), TTN-AS1 (TTN antisense RNA 1; plus strand), LOC126806421 (CDK7 strongly-dependent group 2 enhancer GRCh37_chr2:179407630-179408829; plus strand). Cytogenetic location: 2q31.2.
Variant type: single nucleotide variant.
Coding change: c.96235G>C on transcript NM_001267550.2 (MANE Select); coding-DNA position 96235, G replaced by C.
Protein change: p.Asp32079His; replaces aspartic acid 32079 with histidine.
Molecular consequence: missense variant.
Genome position (GRCh38, 1-based): chr2:178,543,909, C>G on the plus strand (G>C on the coding strand, the complement: TTN is on the minus strand). VCF-style: chr2-178543909-C-G. GRCh37 (hg19) VCF-style: chr2-179408636-C-G.
Other names: c.91312G>C, p.Asp30438His (NM_001256850.1); c.69040G>C, p.Asp23014His (NM_003319.4); c.88531G>C, p.Asp29511His (NM_133378.4); c.69415G>C, p.Asp23139His (NM_133432.3); c.69616G>C, p.Asp23206His (NM_133437.4); short protein forms D32079H, D29511H, D30438H, D23014H, D23139H, D23206H.
Identifiers: ClinVar variation 404774 (VCV000404774.15), dbSNP rs200540781, ClinGen allele CA1986794.